The following is an entry in ClinVar:

ClinVar aggregate classification (germline): Uncertain significance. Review status: criteria provided, multiple submitters, no conflicts (2 of 4 stars). 2 submissions from 2 submitters: Uncertain significance (2). Last evaluated 2024-11-12.

Allele frequency attached by ClinVar (database versions not stated): gnomAD exomes below 0.00001 and 0.00004; gnomAD 0.00001 and 0.00002; TOPMed 0.00003.
gnomAD v4.1: 59 of 1,613,978 alleles (0.0037%); highest among the groups gnomAD compares: Non-Finnish European, 0.0043%; no homozygotes.

Submissions (2):

Blueprint Genetics
Classification: Uncertain significance. Last evaluated: 2024-11-12. Review status: criteria provided, single submitter. Criteria: ACMG Guidelines, 2015. Collection method: clinical testing. Allele origin: germline.

Labcorp Genetics (formerly Invitae), Labcorp
Classification: Uncertain significance. Last evaluated: 2022-10-24. Review status: criteria provided, single submitter. Criteria: Invitae Variant Classification Sherloc (09022015). Collection method: clinical testing. Allele origin: germline.
Comment: This sequence change replaces glutamine, which is neutral and polar, with arginine, which is basic and polar, at codon 707 of the POLR3A protein (p.Gln707Arg). This variant is present in population databases (rs752039681, gnomAD 0.0009%). This variant has not been reported in the literature in individuals affected with POLR3A-related conditions. ClinVar contains an entry for this variant (Variation ID: 1404232). Advanced modeling of protein sequence and biophysical properties (such as structural, functional, and spatial information, amino acid conservation, physicochemical variation, residue mobility, and thermodynamic stability) performed at Invitae indicates that this missense variant is not expected to disrupt POLR3A protein function. In summary, the available evidence is currently insufficient to determine the role of this variant in disease. Therefore, it has been classified as a Variant of Uncertain Significance.

NM_007055.4(POLR3A):c.2120A>G (p.Gln707Arg)

Gene: POLR3A (RNA polymerase III subunit A; minus strand). Cytogenetic location: 10q22.3.
Variant type: single nucleotide variant.
Coding change: c.2120A>G on transcript NM_007055.4 (MANE Select); coding-DNA position 2120, A replaced by G.
Protein change: p.Gln707Arg; replaces glutamine 707 with arginine.
Molecular consequence: missense variant.
Genome position (GRCh38, 1-based): chr10:78,004,843, T>C on the plus strand (A>G on the coding strand, the complement: POLR3A is on the minus strand). VCF-style: chr10-78004843-T-C. GRCh37 (hg19) VCF-style: chr10-79764601-T-C.
Other names: short protein forms Q707R.
Identifiers: ClinVar variation 1404232 (VCV001404232.5), dbSNP rs752039681, ClinGen allele CA210207035.